The following is an entry in ClinVar:

NM_003737.4(DCHS1):c.221C>G (p.Ala74Gly)

Gene: DCHS1 (dachsous cadherin-related 1; minus strand). Cytogenetic location: 11p15.4.
Variant type: single nucleotide variant.
Coding change: c.221C>G on transcript NM_003737.4 (MANE Select); coding-DNA position 221, C replaced by G.
Protein change: p.Ala74Gly; replaces alanine 74 with glycine.
Molecular consequence: missense variant.
Genome position (GRCh38, 1-based): chr11:6,641,393, G>C on the plus strand (C>G on the coding strand, the complement: DCHS1 is on the minus strand). VCF-style: chr11-6641393-G-C. GRCh37 (hg19) VCF-style: chr11-6662624-G-C.
Other names: short protein forms A74G.
Identifiers: ClinVar variation 3696137 (VCV003696137.2).

ClinVar aggregate classification (germline): Uncertain significance (1 of 4 stars; one submission).

gnomAD v4.1: 17 of 1,613,042 alleles (0.0011%); highest among the groups gnomAD compares: Non-Finnish European, 0.0014%; no homozygotes.

Submission:

Labcorp Genetics (formerly Invitae), Labcorp
Classification: Uncertain significance. Last evaluated: 2024-09-04. Review status: criteria provided, single submitter. Criteria: Invitae Variant Classification Sherloc (09022015). Collection method: clinical testing. Allele origin: germline.
Comment: This sequence change replaces alanine, which is neutral and non-polar, with glycine, which is neutral and non-polar, at codon 74 of the DCHS1 protein (p.Ala74Gly). The frequency data for this variant in the population databases is considered unreliable, as metrics indicate poor data quality at this position in the gnomAD database. This variant has not been reported in the literature in individuals affected with DCHS1-related conditions. Invitae Evidence Modeling of protein sequence and biophysical properties (such as structural, functional, and spatial information, amino acid conservation, physicochemical variation, residue mobility, and thermodynamic stability) indicates that this missense variant is not expected to disrupt DCHS1 protein function with a negative predictive value of 80%. In summary, the available evidence is currently insufficient to determine the role of this variant in disease. Therefore, it has been classified as a Variant of Uncertain Significance.